The following is an entry in ClinVar:

NM_025265.4(TSEN2):c.190-300A>C

Gene: TSEN2 (tRNA splicing endonuclease subunit 2; plus strand). Cytogenetic location: 3p25.2.
Variant type: single nucleotide variant.
Coding change: c.190-300A>C on transcript NM_025265.4 (MANE Select); 300 bases into the intron before coding-DNA position 190, A replaced by C.
Molecular consequence: intron variant.
Genome position (GRCh38, 1-based): chr3:12,491,836, A>C. VCF-style: chr3-12491836-A-C. GRCh37 (hg19) VCF-style: chr3-12533335-A-C.
Other names: c.190-300A>C (NM_001321278.2, NM_001321279.2, NM_001145392.2 and 3 more transcripts).
Identifiers: ClinVar variation 667568 (VCV000667568.1), dbSNP rs299639, ClinGen allele CA11351543.
Genomic context (GRCh38, chr3:12,491,836, plus strand): 5'-TCCGTGGATTCACCCAACCTTGGATTGAAGATATTTTGGGAGAAAAATTGCATGTGTACC[A>C]AACGGGGACTTTATTTTCTTATATTAAACAATATAACAACTATTTACATAGCATTTGCAT-3'

ClinVar aggregate classification (germline): Benign (1 of 4 stars; one submission).

Allele frequency attached by ClinVar (database versions not stated): 1000 Genomes Project 0.37061; 1000 Genomes Project 30x 0.38054; TOPMed 0.49025; gnomAD 0.49068 and 0.50778.
gnomAD v4.1: 74,636 of 152,118 alleles (49%); highest among the groups gnomAD compares: African/African-American, 61%; 19,252 homozygotes.

Submission:

GeneDx
Classification: Benign. Last evaluated: 2018-06-19. Review status: criteria provided, single submitter. Criteria: GeneDx Variant Classification (06012015). Collection method: clinical testing. Allele origin: germline. Affected: yes.
Comment: This variant is considered likely benign or benign based on one or more of the following criteria: it is a conservative change, it occurs at a poorly conserved position in the protein, it is predicted to be benign by multiple in silico algorithms, and/or has population frequency not consistent with disease.